The following is an entry in ClinVar:

NM_016341.4(PLCE1):c.4761C>T (p.Asp1587=)

Genes: PLCE1 (phospholipase C epsilon 1; plus strand), PLCE1-AS1 (PLCE1 antisense RNA 1; minus strand). Cytogenetic location: 10q23.33.
Variant type: single nucleotide variant.
Coding change: c.4761C>T on transcript NM_016341.4 (MANE Select); coding-DNA position 4761, C replaced by T.
Protein change: p.Asp1587=; no amino-acid change (aspartic acid 1587 retained).
Molecular consequence: synonymous variant. On other transcripts: non-coding transcript variant (1).
Genome position (GRCh38, 1-based): chr10:94,279,877, C>T. VCF-style: chr10-94279877-C-T. GRCh37 (hg19) VCF-style: chr10-96039634-C-T.
Other names: c.3837C>T, p.Asp1279= (NM_001165979.2); c.4713C>T, p.Asp1571= (NM_001288989.2).
Identifiers: ClinVar variation 4981695 (VCV004981695.1).

ClinVar aggregate classification (germline): Likely benign (1 of 4 stars; one submission).

Conditions:
PLCE1-related disorder. Also called: PLCE1-related condition.

gnomAD v4.1: 141 of 1,613,458 alleles (0.0087%); highest among the groups gnomAD compares: Admixed American, 0.012%; no homozygotes.

Submission:

PreventionGenetics, part of Exact Sciences
Classification: Likely benign for PLCE1-related condition. Last evaluated: 2025-12-08. Review status: criteria provided, single submitter. Criteria: ACMG Guidelines, 2015. Collection method: clinical testing. Allele origin: germline.
Comment: This variant is classified as likely benign based on ACMG/AMP sequence variant interpretation guidelines (Richards et al. 2015 PMID: 25741868, with internal and published modifications).